The following is an entry in ClinVar:

ClinVar aggregate classification (germline): Uncertain significance (1 of 4 stars; one submission).

Conditions:
Epilepsy. Also called: Seizure disorder. Identifiers: MedGen C0014544, MeSH D004827, MONDO:0005027.

Submission:

Labcorp Genetics (formerly Invitae), Labcorp
Classification: Uncertain significance for Epilepsy. Last evaluated: 2021-11-29. Review status: criteria provided, single submitter. Criteria: Invitae Variant Classification Sherloc (09022015). Collection method: clinical testing. Allele origin: germline.
Comment: This sequence change replaces glycine, which is neutral and non-polar, with arginine, which is basic and polar, at codon 289 of the PIGQ protein (p.Gly289Arg). This variant is not present in population databases (gnomAD no frequency). This variant has not been reported in the literature in individuals affected with PIGQ-related conditions. Algorithms developed to predict the effect of missense changes on protein structure and function are either unavailable or do not agree on the potential impact of this missense change (SIFT: "Deleterious"; PolyPhen-2: "Probably Damaging"; Align-GVGD: "Class C0"). In summary, the available evidence is currently insufficient to determine the role of this variant in disease. Therefore, it has been classified as a Variant of Uncertain Significance.

NM_004204.5(PIGQ):c.865G>C (p.Gly289Arg)

Gene: PIGQ (phosphatidylinositol glycan anchor biosynthesis class Q; plus strand). Cytogenetic location: 16p13.3.
Variant type: single nucleotide variant.
Coding change: c.865G>C on transcript NM_004204.5 (MANE Select); coding-DNA position 865, G replaced by C.
Protein change: p.Gly289Arg; replaces glycine 289 with arginine.
Molecular consequence: missense variant.
Genome position (GRCh38, 1-based): chr16:576,177, G>C. VCF-style: chr16-576177-G-C. GRCh37 (hg19) VCF-style: chr16-626177-G-C.
Other names: c.865G>C, p.Gly289Arg (NM_148920.4); short protein forms G289R.
Identifiers: ClinVar variation 1464504 (VCV001464504.6), dbSNP rs960501850, ClinGen allele CA394052520.